The following is an entry in ClinVar:

ClinVar aggregate classification (germline): Uncertain significance. Review status: criteria provided, multiple submitters, no conflicts (2 of 4 stars). 2 submissions from 2 submitters: Uncertain significance (2). Last evaluated 2025-08-01.

Conditions:
Epileptic encephalopathy. Identifiers: MedGen C0543888, HP:0200134.

Allele frequency attached by ClinVar (database versions not stated): ExAC 0.00001; gnomAD exomes 0.00001; TOPMed 0.00002; gnomAD 0.00003; 1000 Genomes Project 30x 0.00016; 1000 Genomes Project 0.00020.
gnomAD v4.1: 27 of 1,612,648 alleles (0.0017%); highest among the groups gnomAD compares: East Asian, 0.013%; no homozygotes.

Submissions (2):

Ambry Genetics
Classification: Uncertain significance. Last evaluated: 2025-08-01. Review status: criteria provided, single submitter. Criteria: Ambry Variant Classification Scheme 2023. Collection method: clinical testing. Allele origin: germline.

Labcorp Genetics (formerly Invitae), Labcorp
Classification: Uncertain significance for Epileptic encephalopathy. Last evaluated: 2022-12-19. Review status: criteria provided, single submitter. Criteria: Invitae Variant Classification Sherloc (09022015). Collection method: clinical testing. Allele origin: germline.
Comment: This variant is present in population databases (rs527759350, gnomAD 0.02%). In summary, the available evidence is currently insufficient to determine the role of this variant in disease. Therefore, it has been classified as a Variant of Uncertain Significance. Algorithms developed to predict the effect of missense changes on protein structure and function output the following: SIFT: "Tolerated"; PolyPhen-2: "Benign"; Align-GVGD: "Class C0". The isoleucine amino acid residue is found in multiple mammalian species, which suggests that this missense change does not adversely affect protein function. This variant has not been reported in the literature in individuals affected with FASN-related conditions. This sequence change replaces valine, which is neutral and non-polar, with isoleucine, which is neutral and non-polar, at codon 1853 of the FASN protein (p.Val1853Ile).

NM_004104.5(FASN):c.5557G>A (p.Val1853Ile)

Gene: FASN (fatty acid synthase; minus strand). Cytogenetic location: 17q25.3.
Variant type: single nucleotide variant.
Coding change: c.5557G>A on transcript NM_004104.5 (MANE Select); coding-DNA position 5557, G replaced by A.
Protein change: p.Val1853Ile; replaces valine 1853 with isoleucine.
Molecular consequence: missense variant.
Genome position (GRCh38, 1-based): chr17:82,083,210, C>T on the plus strand (G>A on the coding strand, the complement: FASN is on the minus strand). VCF-style: chr17-82083210-C-T. GRCh37 (hg19) VCF-style: chr17-80041086-C-T.
Other names: c.5557G>A (NM_004104.4); short protein forms V1853I.
Identifiers: ClinVar variation 2737518 (VCV002737518.4), dbSNP rs527759350, ClinGen allele CA8851656.
Genomic context (GRCh38, chr17:82,083,210, plus strand): 5'-GCCTGGGGACCAGAGCCTGGGGTGCCCGAGGCGCCGGGACTCCTCCCCTCACCTGCACGA[C>T]GACTTTGCCAATGTGCTTCCCTTGGGCCATGTAGCGGAAGGCGTCCTCCACCTGGGCCCC-3'
Protein context (NP_004095.4, residues 1843-1863): MAQGKHIGKV[Val1853Ile]VQVLAEEPEA